The following is an entry in ClinVar:

ClinVar aggregate classification (germline): Uncertain significance (1 of 4 stars; one submission).

Conditions:
Cardiovascular phenotype. Identifiers: MedGen CN230736.

Submission:

Ambry Genetics
Classification: Uncertain significance for Cardiovascular phenotype. Last evaluated: 2019-08-13. Review status: criteria provided, single submitter. Criteria: Ambry Variant Classification Scheme 2023. Collection method: clinical testing. Allele origin: germline.
Comment: The p.R196P variant (also known as c.587G>C), located in coding exon 6 of the LDLRAP1 gene, results from a G to C substitution at nucleotide position 587. The arginine at codon 196 is replaced by proline, an amino acid with dissimilar properties. This amino acid position is poorly conserved in available vertebrate species. In addition, this alteration is predicted to be tolerated by in silico analysis. Since supporting evidence is limited at this time, the clinical significance of this alteration remains unclear.

NM_015627.3(LDLRAP1):c.587G>C (p.Arg196Pro)

Gene: LDLRAP1 (low density lipoprotein receptor adaptor protein 1; plus strand). Cytogenetic location: 1p36.11.
Variant type: single nucleotide variant.
Coding change: c.587G>C on transcript NM_015627.3 (MANE Select); coding-DNA position 587, G replaced by C.
Protein change: p.Arg196Pro; replaces arginine 196 with proline.
Molecular consequence: missense variant.
Genome position (GRCh38, 1-based): chr1:25,563,124, G>C. VCF-style: chr1-25563124-G-C. GRCh37 (hg19) VCF-style: chr1-25889615-G-C.
Other names: short protein forms R196P.
Identifiers: ClinVar variation 1750250 (VCV001750250.2), dbSNP rs776239314, ClinGen allele CA339073935.
Genomic context (GRCh38, chr1:25,563,124, plus strand): 5'-CTGCAGAGAAAGAGAAGAGGGACAAAGCCAGCCAAGAGGGAGGGGACGTCCTGGGGGCCC[G>C]CCAAGACTGCACCCCCTCCTTGAAGAGCTGTGAGTCCTGACGGGGAAGGGGGATTGGCCA-3'
Protein context (NP_056442.2, residues 186-206): SQEGGDVLGA[Arg196Pro]QDCTPSLKSL